The following is an entry in ClinVar:

NM_001852.4(COL9A2):c.1093C>T (p.Pro365Ser)

Gene: COL9A2 (collagen type IX alpha 2 chain; minus strand). Cytogenetic location: 1p34.2.
Variant type: single nucleotide variant.
Coding change: c.1093C>T on transcript NM_001852.4 (MANE Select); coding-DNA position 1093, C replaced by T.
Protein change: p.Pro365Ser; replaces proline 365 with serine.
Molecular consequence: missense variant.
Genome position (GRCh38, 1-based): chr1:40,305,729, G>A on the plus strand (C>T on the coding strand, the complement: COL9A2 is on the minus strand). VCF-style: chr1-40305729-G-A. GRCh37 (hg19) VCF-style: chr1-40771401-G-A.
Other names: c.1093C>T (NM_001852.3); short protein forms P365S.
Identifiers: ClinVar variation 592985 (VCV000592985.11), dbSNP rs774190227, ClinGen allele CA791595.

ClinVar aggregate classification (germline): Uncertain significance. Review status: criteria provided, multiple submitters, no conflicts (2 of 4 stars). 4 submissions from 4 submitters: Uncertain significance (4). Last evaluated 2024-11-13.

Conditions:
Inborn genetic diseases. Identifiers: MedGen C0950123, MeSH D030342.

Allele frequency attached by ClinVar (database versions not stated): ExAC 0.00001; TOPMed 0.00001; gnomAD exomes 0.00002.
gnomAD v4.1: 15 of 1,613,944 alleles (0.00093%); highest among the groups gnomAD compares: Middle Eastern, 0.016%; no homozygotes.

Submissions (4):

Ambry Genetics
Classification: Uncertain significance for Inborn genetic diseases. Last evaluated: 2024-11-13. Review status: criteria provided, single submitter. Criteria: Ambry Variant Classification Scheme 2023. Collection method: clinical testing. Allele origin: germline.

Labcorp Genetics (formerly Invitae), Labcorp
Classification: Uncertain significance. Last evaluated: 2024-08-11. Review status: criteria provided, single submitter. Criteria: Invitae Variant Classification Sherloc (09022015). Collection method: clinical testing. Allele origin: germline.
Comment: This sequence change replaces proline, which is neutral and non-polar, with serine, which is neutral and polar, at codon 365 of the COL9A2 protein (p.Pro365Ser). This variant is present in population databases (rs774190227, gnomAD 0.004%). This variant has not been reported in the literature in individuals affected with COL9A2-related conditions. ClinVar contains an entry for this variant (Variation ID: 592985). Advanced modeling of protein sequence and biophysical properties (such as structural, functional, and spatial information, amino acid conservation, physicochemical variation, residue mobility, and thermodynamic stability) performed at Invitae indicates that this missense variant is not expected to disrupt COL9A2 protein function with a negative predictive value of 95%. In summary, the available evidence is currently insufficient to determine the role of this variant in disease. Therefore, it has been classified as a Variant of Uncertain Significance.

GeneDx
Classification: Uncertain significance. Last evaluated: 2024-02-27. Review status: criteria provided, single submitter. Criteria: GeneDx Variant Classification Process June 2021. Collection method: clinical testing. Allele origin: germline. Affected: yes.
Comment: Has not been previously published as pathogenic or benign to our knowledge; Not observed at significant frequency in large population cohorts (gnomAD); In silico analysis supports that this missense variant does not alter protein structure/function

Eurofins Ntd Llc (ga)
Classification: Uncertain significance. Last evaluated: 2017-07-13. Review status: criteria provided, single submitter. Criteria: EGL Classification Definitions 2015. Collection method: clinical testing. Allele origin: germline. Observed: 1 variant allele, 1 heterozygote.